The following is an entry in ClinVar:

ClinVar aggregate classification (germline): Uncertain significance (1 of 4 stars; one submission).

Conditions:
Cardiovascular phenotype. Identifiers: MedGen CN230736.

Submission:

Ambry Genetics
Classification: Uncertain significance for Cardiovascular phenotype. Last evaluated: 2025-10-05. Review status: criteria provided, single submitter. Criteria: Ambry Variant Classification Scheme 2023. Collection method: clinical testing. Allele origin: germline.
Comment: The p.I71T variant (also known as c.212T>C), located in coding exon 2 of the LDLRAP1 gene, results from a T to C substitution at nucleotide position 212. The isoleucine at codon 71 is replaced by threonine, an amino acid with similar properties. This amino acid position is conserved. In addition, this alteration is predicted to be tolerated by in silico analysis. Based on the available evidence, the clinical significance of this variant remains unclear.

NM_015627.3(LDLRAP1):c.212T>C (p.Ile71Thr)

Gene: LDLRAP1 (low density lipoprotein receptor adaptor protein 1; plus strand). Cytogenetic location: 1p36.11.
Variant type: single nucleotide variant.
Coding change: c.212T>C on transcript NM_015627.3 (MANE Select); coding-DNA position 212, T replaced by C.
Protein change: p.Ile71Thr; replaces isoleucine 71 with threonine.
Molecular consequence: missense variant.
Genome position (GRCh38, 1-based): chr1:25,554,045, T>C. VCF-style: chr1-25554045-T-C. GRCh37 (hg19) VCF-style: chr1-25880536-T-C.
Other names: short protein forms I71T.
Identifiers: ClinVar variation 4614511 (VCV004614511.1).